The following is an entry in ClinVar:

NM_003403.5(YY1):c.1192A>G (p.Thr398Ala)

Gene: YY1 (YY1 transcription factor; plus strand). Cytogenetic location: 14q32.2.
Variant type: single nucleotide variant.
Coding change: c.1192A>G on transcript NM_003403.5 (MANE Select); coding-DNA position 1192, A replaced by G.
Protein change: p.Thr398Ala; replaces threonine 398 with alanine.
Molecular consequence: missense variant.
Genome position (GRCh38, 1-based): chr14:100,277,547, A>G. VCF-style: chr14-100277547-A-G. GRCh37 (hg19) VCF-style: chr14-100743884-A-G.
Other names: short protein forms T398A.
Identifiers: ClinVar variation 2627588 (VCV002627588.2), dbSNP rs2549139366, ClinGen allele CA390969782.

ClinVar aggregate classification (germline): Likely pathogenic (1 of 4 stars; one submission).

Conditions:
Gabriele de Vries syndrome. Identifiers: Orphanet 506358, MedGen C4479652, MONDO:0044738, OMIM 617557.

Submission:

Institute of Human Genetics, University of Leipzig Medical Center
Classification: Likely pathogenic for Gabriele de Vries syndrome. Last evaluated: 2023-09-18. Review status: criteria provided, single submitter. Criteria: ACMG Guidelines, 2015. Collection method: clinical testing. Allele origin: de novo. Inheritance: Autosomal dominant inheritance. Affected: yes.
Comment: Criteria applied: PS2_MOD,PM1,PM2_SUP,PP3